The following is an entry in ClinVar:

NM_020461.4(TUBGCP6):c.3940G>T (p.Val1314Leu)

Gene: TUBGCP6 (tubulin gamma complex component 6; minus strand). Cytogenetic location: 22q13.33.
Variant type: single nucleotide variant.
Coding change: c.3940G>T on transcript NM_020461.4 (MANE Select); coding-DNA position 3940, G replaced by T.
Protein change: p.Val1314Leu; replaces valine 1314 with leucine.
Molecular consequence: missense variant.
Genome position (GRCh38, 1-based): chr22:50,220,419, C>A on the plus strand (G>T on the coding strand, the complement: TUBGCP6 is on the minus strand). VCF-style: chr22-50220419-C-A. GRCh37 (hg19) VCF-style: chr22-50658848-C-A.
Other names: short protein forms V1314L.
Identifiers: ClinVar variation 1432944 (VCV001432944.3), dbSNP rs144848522, ClinGen allele CA412177670.
Genomic context (GRCh38, chr22:50,220,419, plus strand): 5'-AGCTGGGGGAGGACAGAGATGGCCCCACTTCTACAGGCAGCCGTGGCCCACAGTCCAGCA[C>A]AGTGCTCTGTGCTCCCAGGCTGAGCGCTGACTGGGACGTGTGGCCAGGGGGGCTCTGTTG-3'
Protein context (NP_065194.3, residues 1304-1324): SALSLGAQST[Val1314Leu]LDCGPRLPVE

ClinVar aggregate classification (germline): Uncertain significance (1 of 4 stars; one submission).

gnomAD v4.1: 24 of 1,607,038 alleles (0.0015%); highest among the groups gnomAD compares: African/African-American, 0.0027%; no homozygotes.

Submission:

Labcorp Genetics (formerly Invitae), Labcorp
Classification: Uncertain significance. Last evaluated: 2021-10-12. Review status: criteria provided, single submitter. Criteria: Invitae Variant Classification Sherloc (09022015). Collection method: clinical testing. Allele origin: germline.
Comment: This sequence change replaces valine with leucine at codon 1314 of the TUBGCP6 protein (p.Val1314Leu). The valine residue is weakly conserved and there is a small physicochemical difference between valine and leucine. This variant is not present in population databases (ExAC no frequency). This variant has not been reported in the literature in individuals affected with TUBGCP6-related conditions. Algorithms developed to predict the effect of missense changes on protein structure and function (SIFT, PolyPhen-2, Align-GVGD) all suggest that this variant is likely to be tolerated. In summary, the available evidence is currently insufficient to determine the role of this variant in disease. Therefore, it has been classified as a Variant of Uncertain Significance.